The following is an entry in ClinVar:

ClinVar aggregate classification (germline): Uncertain significance. Review status: criteria provided, multiple submitters, no conflicts (2 of 4 stars). 3 submissions from 3 submitters: Uncertain significance (3). Last evaluated 2025-01-29.

Conditions:
Intellectual disability, autosomal dominant 16 (CSS4). Also called: COFFIN-SIRIS SYNDROME 4. Identifiers: Orphanet 1465, MedGen C3553249, MONDO:0013821, OMIM 614609.
Rhabdoid tumor predisposition syndrome 2 (RTPS2). Identifiers: Orphanet 231108, Orphanet 69077, MedGen C2750074, MONDO:0013224, OMIM 613325.
Hereditary cancer-predisposing syndrome. Also called: Neoplastic Syndromes, Hereditary; Tumor predisposition; Hereditary Cancer Syndrome; Hereditary neoplastic syndrome. Identifiers: Orphanet 140162, MedGen C0027672, MeSH D009386, MONDO:0015356.

Allele frequency attached by ClinVar (database versions not stated): TOPMed below 0.00001; gnomAD 0.00001.
gnomAD v4.1: 3 of 1,600,920 alleles (0.00019%); highest among the groups gnomAD compares: Non-Finnish European, 0.00026%; no homozygotes.

Submissions (3):

Labcorp Genetics (formerly Invitae), Labcorp
Classification: Uncertain significance for Rhabdoid tumor predisposition syndrome 2. Last evaluated: 2025-01-29. Review status: criteria provided, single submitter. Criteria: Invitae Variant Classification Sherloc (09022015). Collection method: clinical testing. Allele origin: germline.
Comment: This sequence change replaces glycine, which is neutral and non-polar, with arginine, which is basic and polar, at codon 60 of the SMARCA4 protein (p.Gly60Arg). This variant is not present in population databases (gnomAD no frequency). This variant has not been reported in the literature in individuals affected with SMARCA4-related conditions. ClinVar contains an entry for this variant (Variation ID: 820079). Invitae Evidence Modeling of protein sequence and biophysical properties (such as structural, functional, and spatial information, amino acid conservation, physicochemical variation, residue mobility, and thermodynamic stability) has been performed for this missense variant. However, the output from this modeling did not meet the statistical confidence thresholds required to predict the impact of this variant on SMARCA4 protein function. In summary, the available evidence is currently insufficient to determine the role of this variant in disease. Therefore, it has been classified as a Variant of Uncertain Significance.

Ambry Genetics
Classification: Uncertain significance for Hereditary cancer-predisposing syndrome. Last evaluated: 2023-08-31. Review status: criteria provided, single submitter. Criteria: Ambry Variant Classification Scheme 2023. Collection method: clinical testing. Allele origin: germline.
Comment: The p.G60R variant (also known as c.178G>A), located in coding exon 1 of the SMARCA4 gene, results from a G to A substitution at nucleotide position 178. The glycine at codon 60 is replaced by arginine, an amino acid with dissimilar properties. This amino acid position is highly conserved in available vertebrate species. In addition, the in silico prediction for this alteration is inconclusive. Since supporting evidence is limited at this time, the clinical significance of this alteration remains unclear.

Genome-Nilou Lab
Classification: Uncertain significance for Intellectual disability, autosomal dominant 16. Last evaluated: 2021-07-15. Review status: criteria provided, single submitter. Criteria: ACMG Guidelines, 2015. Collection method: clinical testing. Allele origin: germline. Affected: no.

NM_003072.5(SMARCA4):c.178G>A (p.Gly60Arg)

Gene: SMARCA4 (SWI/SNF related BAF chromatin remodeling complex subunit ATPase 4; plus strand). Cytogenetic location: 19p13.2.
Variant type: single nucleotide variant.
Coding change: c.178G>A on transcript NM_003072.5 (MANE Select); coding-DNA position 178, G replaced by A.
Protein change: p.Gly60Arg; replaces glycine 60 with arginine.
Molecular consequence: missense variant. On other transcripts: non-coding transcript variant (1).
Genome position (GRCh38, 1-based): chr19:10,984,329, G>A. VCF-style: chr19-10984329-G-A. GRCh37 (hg19) VCF-style: chr19-11095005-G-A.
Other names: c.178G>A, p.Gly60Arg (NM_001128844.3, NM_001128845.2, NM_001128846.2 and 4 more transcripts); short protein forms G60R.
Identifiers: ClinVar variation 820079 (VCV000820079.16), dbSNP rs1307434805, ClinGen allele CA404054567.